The following is an entry in ClinVar:

NM_004360.4:c.(387+1_388-1)_(1711+1_1712-1)dup

Gene: CDH1 (cadherin 1; plus strand).
Variant type: Duplication.
Identifiers: ClinVar variation 2503036 (VCV002503036.1).

ClinVar aggregate classification (germline): Pathogenic (1 of 4 stars; one submission).

Conditions:
Hereditary diffuse gastric adenocarcinoma (HDGC). Also called: DIFFUSE GASTRIC AND LOBULAR BREAST CANCER SYNDROME. Identifiers: Orphanet 26106, MedGen C1708349, MONDO:0007648, OMIM 137215.

Submission:

European Reference Network on Genetic Tumour Risk Syndromes (ERN-GENTURIS), i3s - Instituto de Investigação e Inovação em Saúde, University of Porto
Classification: Pathogenic for Hereditary diffuse gastric adenocarcinoma. Last evaluated: 2022-08-01. Review status: criteria provided, single submitter. Criteria: Lee et al. (Hum Mutat. 2018). Collection method: clinical testing. Allele origin: germline. Inheritance: Autosomal dominant inheritance. Affected: yes. Study: ERN GENTURIS.
Comment: PVS1; PS4_Moderate; PM2 (PMID: 30311375)

Literature cited by the submitters: PubMed 36436516.